The following is an entry in ClinVar:

NM_170606.3(KMT2C):c.5809C>G (p.Gln1937Glu)

Gene: KMT2C (lysine methyltransferase 2C; minus strand). Cytogenetic location: 7q36.1.
Variant type: single nucleotide variant.
Coding change: c.5809C>G on transcript NM_170606.3 (MANE Select); coding-DNA position 5809, C replaced by G.
Protein change: p.Gln1937Glu; replaces glutamine 1937 with glutamic acid.
Molecular consequence: missense variant.
Genome position (GRCh38, 1-based): chr7:152,182,051, G>C on the plus strand (C>G on the coding strand, the complement: KMT2C is on the minus strand). VCF-style: chr7-152182051-G-C. GRCh37 (hg19) VCF-style: chr7-151879136-G-C.
Other names: short protein forms Q1937E.
Identifiers: ClinVar variation 134759 (VCV000134759.1), dbSNP rs374061571, ClinGen allele CA160689.
Genomic context (GRCh38, chr7:152,182,051, plus strand): 5'-TGGAAGAAGAACATAAATCTCTGACAGGGGATGGCCTATTTGCTGTTGTCTCATTCATTT[G>C]AAGGGGCCTAGATACCGATGATAAAGGTGTACAGTTTTCCACTGGTGCAGCAGAATTTCT-3'
Protein context (NP_733751.2, residues 1927-1947): TPLSSVSRPL[Gln1937Glu]MNETTANRPS

ClinVar aggregate classification (germline): not provided (0 of 4 stars; one submission).

Allele frequency attached by ClinVar (database versions not stated): gnomAD exomes below 0.00001; TOPMed below 0.00001; ESP Exome Variant Server 0.00008.
gnomAD v4.1: 5 of 1,614,182 alleles (0.00031%); highest among the groups gnomAD compares: Non-Finnish European, 0.00042%; no homozygotes.

Submission:

ITMI
No classification provided. Condition: AllHighlyPenetrant. Last evaluated: 2013-09-19. Review status: no classification provided. Collection method: reference population. Allele origin: germline.
Comment: Please see associated publication for description of ethnicities

Literature cited by the submitters: PubMed 24728327.